The following is an entry in ClinVar:

NM_001009944.3(PKD1):c.5843T>G (p.Val1948Gly)

Gene: PKD1 (polycystin 1, transient receptor potential channel interacting; minus strand). Cytogenetic location: 16p13.3.
Variant type: single nucleotide variant.
Coding change: c.5843T>G on transcript NM_001009944.3 (MANE Select); coding-DNA position 5843, T replaced by G.
Protein change: p.Val1948Gly; replaces valine 1948 with glycine.
Molecular consequence: missense variant.
Genome position (GRCh38, 1-based): chr16:2,109,324, A>C on the plus strand (T>G on the coding strand, the complement: PKD1 is on the minus strand). VCF-style: chr16-2109324-A-C. GRCh37 (hg19) VCF-style: chr16-2159325-A-C.
Other names: c.5843T>G, p.Val1948Gly (NM_000296.4); short protein forms V1948G.
Identifiers: ClinVar variation 4535645 (VCV004535645.2).

ClinVar aggregate classification (germline): Uncertain significance (1 of 4 stars; one submission).

Submission:

Women's Health and Genetics/Laboratory Corporation of America, LabCorp
Classification: Uncertain significance. Last evaluated: 2026-04-28. Review status: criteria provided, single submitter. Criteria: LabCorp Variant Classification Summary - May 2015. Collection method: clinical testing. Allele origin: germline.
Comment: Variant summary: PKD1 c.5843T>G (p.Val1948Gly) results in a non-conservative amino acid change in the encoded protein sequence. Algorithms developed to predict the effect of missense changes on protein structure and function all suggest that this variant is likely to be disruptive. The variant was absent in 229628 control chromosomes. The available data on variant occurrences in the general population are insufficient to allow any conclusion about variant significance. To our knowledge, no occurrence of c.5843T>G in individuals affected with PKD1-related conditions and no experimental evidence demonstrating its impact on protein function have been reported. ClinVar contains an entry for this variant (Variation ID: 4535645). Based on the evidence outlined above, the variant was classified as uncertain significance.